The following is an entry in ClinVar:

ClinVar aggregate classification (germline): Likely benign (1 of 4 stars; one submission).

Submission:

CeGaT Center for Human Genetics Tuebingen
Classification: Likely benign. Last evaluated: 2026-05-01. Review status: criteria provided, single submitter. Criteria: CeGaT Center For Human Genetics Tuebingen Variant Classification Criteria Version 2. Collection method: clinical testing. Allele origin: germline. Affected: yes. Observed: 1 variant allele.
Comment: RHOBTB2: BP4, BP7

NM_015178.3(RHOBTB2):c.1125A>G (p.Gly375=)

Gene: RHOBTB2 (Rho related BTB domain containing 2; plus strand). Cytogenetic location: 8p21.3.
Variant type: single nucleotide variant.
Coding change: c.1125A>G on transcript NM_015178.3 (MANE Select); coding-DNA position 1125, A replaced by G.
Protein change: p.Gly375=; no amino-acid change (glycine 375 retained).
Molecular consequence: synonymous variant.
Genome position (GRCh38, 1-based): chr8:23,007,370, A>G. VCF-style: chr8-23007370-A-G. GRCh37 (hg19) VCF-style: chr8-22864883-A-G.
Other names: c.1191A>G, p.Gly397= (NM_001160036.2); c.1146A>G, p.Gly382= (NM_001160037.2); c.1125A>G, p.Gly375= (NM_001374791.1).
Identifiers: ClinVar variation 4872809 (VCV004872809.2).
Genomic context (GRCh38, chr8:23,007,370, plus strand): 5'-GGGCTCCGGTCCTGCTGGCCTCCGTGCTTCCACCAGCGACGGGATCTTACGGGGCAACGG[A>G]ACAGGGTACCTACCGGGCAGGGGTCGTGTGCTGTCTTCCTGGAGCCGAGCTTTTGTGAGC-3'
Protein context (NP_055993.2, residues 365-385): STSDGILRGN[Gly375=]TGYLPGRGRV